The following is an entry in ClinVar:

NM_001394062.1(MACF1):c.21707G>T (p.Cys7236Phe)

Gene: MACF1 (microtubule actin crosslinking factor 1; plus strand). Cytogenetic location: 1p34.3.
Variant type: single nucleotide variant.
Coding change: c.21707G>T on transcript NM_001394062.1 (MANE Select); coding-DNA position 21707, G replaced by T.
Protein change: p.Cys7236Phe; replaces cysteine 7236 with phenylalanine.
Molecular consequence: missense variant.
Genome position (GRCh38, 1-based): chr1:39,463,640, G>T. VCF-style: chr1-39463640-G-T. GRCh37 (hg19) VCF-style: chr1-39929312-G-T.
Other names: NM_012090.5(MACF1):c.15530G>T; p.Cys5177Phe; c.15530G>T, p.Cys5177Phe (NM_012090.5); short protein forms C5177F, C7236F.
Identifiers: ClinVar variation 586948 (VCV000586948.7), dbSNP rs1557668270, ClinGen allele CA339774788.

ClinVar aggregate classification (germline): Pathogenic. Review status: criteria provided, single submitter (1 of 4 stars). 4 submissions from 4 submitters: Pathogenic (1). 3 of the submissions do not count toward it. Last evaluated 2022-05-04.

Conditions:
Lissencephaly 9 with complex brainstem malformation. Identifiers: Orphanet 572013, MedGen C5193029, MONDO:0032677, OMIM 618325.
Lissencephaly. Also called: Lissencephaly spectrum disorders. Identifiers: Orphanet 48471, MedGen C0266463, MeSH D054082, MONDO:0018838, HP:0001339.
lissencephaly with brainstem hypoplasia.
Lissencephaly with decussation defect.

Submissions (4):

Broad Center for Mendelian Genomics, Broad Institute of MIT and Harvard
Classification: Pathogenic for Lissencephaly. Last evaluated: 2022-05-04. Review status: criteria provided, single submitter. Criteria: ACMG Guidelines, 2015. Collection method: curation. Allele origin: germline. Inheritance: Autosomal dominant inheritance.
Comment: Trio exome analysis showed this variant to be de novo. This variant is assumed de novo in 2 individuals, but maternity and paternity have not been confirmed (PMID: 30471716). This variant has also been reported in ClinVar (Variation ID: 586948) and has been interpreted as pathogenic by OMIM and the Dobyns Lab of the Seattle Children's Research Institute. Computational prediction tools and conservation analyses suggest that this variant may impact the protein, though this information is not predictive enough to determine pathogenicity. In vitro functional studies provide some evidence that the p.Cys5177Phe variant may slightly impact protein function (PMID: 30471716). However, these types of assays may not accurately represent biological function. The number of missense variants reported in MACF1 in the general population is lower than expected, suggesting there is little benign variation in this gene and slightly increasing the possibility that a missense variant in this gene may not be tolerated. In summary, although additional studies are required to fully establish its clinical significance, this variant is likely pathogenic. ACMG/AMP Criteria applied: PS2, PM2, PP3, PS4_supporting, PS3_supporting, PP2 (Richards 2015).

OMIM
Classification: Pathogenic for LISSENCEPHALY 9 WITH COMPLEX BRAINSTEM MALFORMATION. Last evaluated: 2019-02-15. Review status: no assertion criteria provided. Collection method: literature only. Allele origin: germline. Not counted in ClinVar's aggregate classification.

Dobyns Lab, Seattle Children's Research Institute
Classification: Pathogenic for Lissencephaly with decussation defect. Last evaluated: 2018-10-08. Review status: no assertion criteria provided. Collection method: clinical testing. Allele origin: germline. Affected: yes. Observed: 2 variant alleles. Not counted in ClinVar's aggregate classification.

University of Washington Center for Mendelian Genomics, University of Washington
Classification: Likely pathogenic for lissencephaly with brainstem hypoplasia. Review status: no assertion criteria provided. Collection method: research. Allele origin: de novo. Affected: yes. Not counted in ClinVar's aggregate classification.

Literature cited by the submitters: PubMed 30471716 (cited by 3 submitters).